The following is an entry in ClinVar:

ClinVar aggregate classification (germline): Uncertain significance. Review status: criteria provided, multiple submitters, no conflicts (2 of 4 stars). 4 submissions from 4 submitters: Uncertain significance (4). Last evaluated 2026-04-16.

Conditions:
Cardiovascular phenotype. Identifiers: MedGen CN230736.
Familial hypercholesterolemia. Also called: Familial hypercholesterolemias; Familial hypercholesterolaemia. Identifiers: MedGen C0020445, MONDO:0005439.
Hypercholesterolemia, autosomal dominant, 3 (FHCL3). Also called: Familial hypercholesterolemia 3; Familial Hypercholesterolemia, Autosomal Dominant, 3; PCSK9-Related Familial Hypercholesterolemia, Autosomal Dominant. Identifiers: MedGen C1863551, MONDO:0011369, OMIM 603776.
Hypercholesterolemia, familial, 1. Also called: LDL RECEPTOR DISORDER; Hyperlipoproteinemia Type IIa; HYPER-LOW-DENSITY-LIPOPROTEINEMIA; HYPERCHOLESTEROLEMIC XANTHOMATOSIS, FAMILIAL; Fredrickson type IIa hyperlipoproteinemia; Hyperlipoproteinemia type 2. Identifiers: Orphanet 391665, MedGen C0745103, MONDO:0007750, OMIM 143890.

Allele frequency attached by ClinVar (database versions not stated): gnomAD exomes below 0.00001; ExAC 0.00005; TOPMed below 0.00001; gnomAD 0.00001.

Submissions (4):

Ambry Genetics
Classification: Uncertain significance for Cardiovascular phenotype. Last evaluated: 2026-04-16. Review status: criteria provided, single submitter. Criteria: Ambry Variant Classification Scheme 2023. Collection method: clinical testing. Allele origin: germline.

Color Diagnostics, LLC DBA Color Health
Classification: Uncertain significance for Familial hypercholesterolemia. Last evaluated: 2025-06-18. Review status: criteria provided, single submitter. Criteria: ACMG Guidelines, 2015. Collection method: clinical testing. Allele origin: germline.
Comment: This missense variant replaces alanine with aspartic acid at codon 617 of the PCSK9 protein. Computational prediction suggests that this variant may not impact protein structure and function. To our knowledge, functional studies have not been reported for this variant. This variant has been reported in at least one individual affected with familial hypercholesterolemia (PMID: 21722902). This variant has not been identified in the general population by the Genome Aggregation Database (gnomAD). The available evidence is insufficient to determine the role of this variant in disease conclusively. Therefore, this variant is classified as a Variant of Uncertain Significance.

All of Us Research Program, National Institutes of Health
Classification: Uncertain significance for Hypercholesterolemia, autosomal dominant, 3. Last evaluated: 2023-12-18. Review status: criteria provided, single submitter. Criteria: ACMG Guidelines, 2015. Collection method: clinical testing. Allele origin: germline. Inheritance: Autosomal dominant inheritance. Observed: 4 variant alleles, 4 heterozygotes.
Comment: This missense variant replaces alanine with aspartic acid at codon 617 of the PCSK9 protein in the C-terminal CM3 domain of the PCSK9 protein. Computational prediction suggests that this variant may not impact protein structure and function (internally defined REVEL score threshold <= 0.5, PMID: 27666373). To our knowledge, functional studies have not been reported for this variant. This variant has been reported in an individual affected with hypercholesterolemia in the literature (PMID: 21722902). This variant has not been identified in the general population by the Genome Aggregation Database (gnomAD). The available evidence is insufficient to determine the role of this variant in disease conclusively. Therefore, this variant is classified as a Variant of Uncertain Significance.

This study involves interpretation of variants in research participants for the purpose of population health screening. Participant phenotype was not available at the time of variant classification. Additional details can be found in publication PMID: 35346344, PMCID: PMC8962531

Iberoamerican FH Network
Classification: Uncertain significance for Familial hypercholesterolemia. Last evaluated: 2016-03-01. Review status: criteria provided, single submitter. Criteria: ACMG Guidelines, 2015. Collection method: research. Allele origin: germline.
Comment: Variant present in the database from Mexico

Literature cited by the submitters: PubMed 21722902 (cited by Color Diagnostics, LLC DBA Color Health and All of Us Research Program, National Institutes of Health).

NM_174936.4(PCSK9):c.1850C>A (p.Ala617Asp)

Gene: PCSK9 (proprotein convertase subtilisin/kexin type 9; plus strand). Cytogenetic location: 1p32.3.
Variant type: single nucleotide variant.
Coding change: c.1850C>A on transcript NM_174936.4 (MANE Select); coding-DNA position 1850, C replaced by A.
Protein change: p.Ala617Asp; replaces alanine 617 with aspartic acid.
Molecular consequence: missense variant.
Genome position (GRCh38, 1-based): chr1:55,061,543, C>A. VCF-style: chr1-55061543-C-A. GRCh37 (hg19) VCF-style: chr1-55527216-C-A.
Other names: c.1973C>A, p.Ala658Asp (NM_001407240.1); c.1892C>A, p.Ala631Asp (NM_001407241.1); c.1853C>A, p.Ala618Asp (NM_001407242.1); c.1793C>A, p.Ala598Asp (NM_001407243.1); c.1676C>A, p.Ala559Asp (NM_001407244.1); c.1658C>A, p.Ala553Asp (NM_001407245.1); c.1475C>A, p.Ala492Asp (NM_001407246.1); c.1349C>A, p.Ala450Asp (NM_001407247.1); short protein forms A617D, A450D, A492D, A618D, A553D, A658D, A631D, A559D.
Identifiers: ClinVar variation 523717 (VCV000523717.12), dbSNP rs754936553, ClinGen allele CA039099.